The following is an entry in ClinVar:

NM_004453.4(ETFDH):c.1587T>G (p.His529Gln)

Gene: ETFDH (electron transfer flavoprotein dehydrogenase; plus strand). Cytogenetic location: 4q32.1.
Variant type: single nucleotide variant.
Coding change: c.1587T>G on transcript NM_004453.4 (MANE Select); coding-DNA position 1587, T replaced by G.
Protein change: p.His529Gln; replaces histidine 529 with glutamine.
Molecular consequence: missense variant.
Genome position (GRCh38, 1-based): chr4:158,706,747, T>G. VCF-style: chr4-158706747-T-G. GRCh37 (hg19) VCF-style: chr4-159627899-T-G.
Other names: c.1446T>G, p.His482Gln (NM_001281737.2); c.1404T>G, p.His468Gln (NM_001281738.1); short protein forms H468Q, H529Q, H482Q.
Identifiers: ClinVar variation 2107022 (VCV002107022.4), dbSNP rs2476735533, ClinGen allele CA358564922.
Genomic context (GRCh38, chr4:158,706,747, plus strand): 5'-ACCCGATGGACAGATCAGTTTTGACCTCTTGTCATCTGTGGCTCTGAGTGGTACTAATCA[T>G]GAACATGACCAGCCGGCACACTTAACCTTAAGGGATGACAGTATACCTGTAAATAGAAAT-3'
Protein context (NP_004444.2, residues 519-539): LSSVALSGTN[His529Gln]EHDQPAHLTL

ClinVar aggregate classification (germline): Likely pathogenic (1 of 4 stars; one submission).

Conditions:
Multiple acyl-CoA dehydrogenase deficiency (MADD). Also called: ETHYLMALONIC-ADIPICACIDURIA; GA II; Glutaric aciduria, type 2; Glutaric acidemia type II; GA 2; Glutaric Acidemia type 2. Identifiers: Orphanet 26791, MedGen C0268596, MONDO:0009282, OMIM 231680.

Submission:

Labcorp Genetics (formerly Invitae), Labcorp
Classification: Likely pathogenic for Multiple acyl-CoA dehydrogenase deficiency. Last evaluated: 2022-03-05. Review status: criteria provided, single submitter. Criteria: Invitae Variant Classification Sherloc (09022015). Collection method: clinical testing. Allele origin: germline.
Comment: Advanced modeling of protein sequence and biophysical properties (such as structural, functional, and spatial information, amino acid conservation, physicochemical variation, residue mobility, and thermodynamic stability) performed at Invitae indicates that this missense variant is expected to disrupt ETFDH protein function. In summary, the currently available evidence indicates that the variant is pathogenic, but additional data are needed to prove that conclusively. Therefore, this variant has been classified as Likely Pathogenic. This variant disrupts the p.His529 amino acid residue in ETFDH. Other variant(s) that disrupt this residue have been determined to be pathogenic (PMID: 24522293). This suggests that this residue is clinically significant, and that variants that disrupt this residue are likely to be disease-causing. This variant has not been reported in the literature in individuals affected with ETFDH-related conditions. This variant is not present in population databases (gnomAD no frequency). This sequence change replaces histidine, which is basic and polar, with glutamine, which is neutral and polar, at codon 529 of the ETFDH protein (p.His529Gln).

Literature cited by the submitters: PubMed 24522293.